The following is an entry in ClinVar:

ClinVar aggregate classification (germline): Pathogenic (0 of 4 stars; one submission).

Conditions:
FBN1-related disorder. Also called: FBN1-related disorders.

Submission:

PreventionGenetics, part of Exact Sciences
Classification: Pathogenic for FBN1-related condition. Last evaluated: 2024-05-31. Review status: no assertion criteria provided. Collection method: clinical testing. Allele origin: germline.
Comment: The FBN1 c.2254_2260del7 variant is predicted to result in a frameshift and premature protein termination (p.Ser752Metfs*18). This variant was reported de novo in an individual with Marfan syndrome (described as c.2253del7, Oh et al. 2000. PubMed ID: 11059536). This variant has not been reported in a large population database, indicating this variant is rare. Frameshift variants in FBN1 are expected to be pathogenic. This variant is interpreted as pathogenic.

NM_000138.5(FBN1):c.2254_2260del (p.Ser752fs)

Gene: FBN1 (fibrillin 1; minus strand). Cytogenetic location: 15q21.1.
Variant type: Deletion.
Coding change: c.2254_2260del on transcript NM_000138.5 (MANE Select); coding-DNA positions 2254 to 2260, 7 bases deleted (TCAGGAT; older notation c.2254_2260delTCAGGAT).
Protein change: p.Ser752fs; shifts the reading frame from serine 752.
Molecular consequence: frameshift variant.
Genome position (GRCh38, 1-based): chr15:48,497,299-48,497,305, ATCCTGA deleted on the plus strand (TCAGGAT on the coding strand, the reverse complement: FBN1 is on the minus strand); deleting any 7 consecutive bases within chr15:48,497,299-48,497,307 gives the same sequence; the c. name uses the placement nearest the transcript's 3' end. VCF-style (leftmost placement, unchanged base first): chr15-48497298-TATCCTGA-T. GRCh37 (hg19) VCF-style: chr15-48789495-TATCCTGA-T.
Other names: c.2254_2260del, p.Ser752fs (NM_001406716.1); c.2254_2260del7 (NM_000138.4); short protein forms S752fs.
Identifiers: ClinVar variation 3348102 (VCV003348102.1).
Genomic context (GRCh38, chr15:48,497,298, plus strand): 5'-GTTTCAGAAAATGGGTAAAACTTCTCACCAACGCAGTTTTTCCCAGTTGAATCCACTTCA[TATCCTGA>T]ATTGCATATACATTTATAGGTCCCACGAAGGTTTTCACAGATTCCATTTGGGCAAATATC-3'